The following is an entry in ClinVar:

ClinVar aggregate classification (germline): Uncertain significance. Review status: criteria provided, multiple submitters, no conflicts (2 of 4 stars). 4 submissions from 4 submitters: Uncertain significance (3). 1 of the submissions does not count toward it. Last evaluated 2022-08-15.

Conditions:
Glycogen storage disease type III (GSD3). Also called: FORBES DISEASE; Cori disease. Identifiers: Orphanet 366, MedGen C0017922, MONDO:0009291, OMIM 232400.

Allele frequency attached by ClinVar (database versions not stated): TOPMed 0.00006.
gnomAD v4.1: 12 of 1,609,628 alleles (0.00075%); highest among the groups gnomAD compares: African/African-American, 0.016%; no homozygotes.

Submissions (4):

Labcorp Genetics (formerly Invitae), Labcorp
Classification: Uncertain significance for Glycogen storage disease type III. Last evaluated: 2022-08-15. Review status: criteria provided, single submitter. Criteria: Invitae Variant Classification Sherloc (09022015). Collection method: clinical testing. Allele origin: germline.
Comment: This sequence change replaces serine, which is neutral and polar, with tyrosine, which is neutral and polar, at codon 440 of the AGL protein (p.Ser440Tyr). This variant is present in population databases (rs149771710, gnomAD 0.02%). This missense change has been observed in individual(s) with glycogen storage disease (Invitae). ClinVar contains an entry for this variant (Variation ID: 970740). Algorithms developed to predict the effect of missense changes on protein structure and function (SIFT, PolyPhen-2, Align-GVGD) all suggest that this variant is likely to be tolerated. In summary, the available evidence is currently insufficient to determine the role of this variant in disease. Therefore, it has been classified as a Variant of Uncertain Significance.

Genome-Nilou Lab
Classification: Uncertain significance for Glycogen storage disease type III. Last evaluated: 2021-07-15. Review status: criteria provided, single submitter. Criteria: ACMG Guidelines, 2015. Collection method: clinical testing. Allele origin: germline. Affected: no.

Baylor Genetics
Classification: Uncertain significance for Glycogen storage disease type III. Last evaluated: 2018-08-09. Review status: criteria provided, single submitter. Criteria: ACMG Guidelines, 2015. Collection method: clinical testing. Allele origin: unknown. Affected: yes.
Comment: This variant was determined to be of uncertain significance according to ACMG Guidelines, 2015 [PMID:25741868].

Natera, Inc.
Classification: Uncertain significance for Glycogen storage disease type III. Last evaluated: 2021-08-02. Review status: no assertion criteria provided. Collection method: clinical testing. Allele origin: germline. Not counted in ClinVar's aggregate classification.

NM_000642.3(AGL):c.1319C>A (p.Ser440Tyr)

Gene: AGL (amylo-alpha-1,6-glucosidase and 4-alpha-glucanotransferase; plus strand). Cytogenetic location: 1p21.2.
Variant type: single nucleotide variant.
Coding change: c.1319C>A on transcript NM_000642.3 (MANE Select); coding-DNA position 1319, C replaced by A.
Protein change: p.Ser440Tyr; replaces serine 440 with tyrosine.
Molecular consequence: missense variant.
Genome position (GRCh38, 1-based): chr1:99,876,493, C>A. VCF-style: chr1-99876493-C-A. GRCh37 (hg19) VCF-style: chr1-100342049-C-A.
Other names: c.1319C>A, p.Ser440Tyr (NM_000028.3, NM_000643.3, NM_000644.3 and 2 more transcripts); c.1271C>A, p.Ser424Tyr (NM_000646.3); c.1118C>A, p.Ser373Tyr (NM_001425327.1); c.1115C>A, p.Ser372Tyr (NM_001425328.1, NM_001425329.1); c.941C>A, p.Ser314Tyr (NM_001425332.1); short protein forms S424Y, S440Y, S314Y, S372Y, S373Y.
Identifiers: ClinVar variation 970740 (VCV000970740.12), dbSNP rs149771710, ClinGen allele CA966462.